The following is an entry in ClinVar:

NM_004727.3(SLC24A1):c.1861A>G (p.Lys621Glu)

Gene: SLC24A1 (solute carrier family 24 member 1; plus strand). Cytogenetic location: 15q22.31.
Variant type: single nucleotide variant.
Coding change: c.1861A>G on transcript NM_004727.3 (MANE Select); coding-DNA position 1861, A replaced by G.
Protein change: p.Lys621Glu; replaces lysine 621 with glutamic acid.
Molecular consequence: missense variant.
Genome position (GRCh38, 1-based): chr15:65,625,941, A>G. VCF-style: chr15-65625941-A-G. GRCh37 (hg19) VCF-style: chr15-65918279-A-G.
Other names: c.1861A>G, p.Lys621Glu (NM_001301031.1, NM_001301032.1, NM_001301033.2); short protein forms K621E.
Identifiers: ClinVar variation 1004569 (VCV001004569.8), dbSNP rs2074499266, ClinGen allele CA392918939.

ClinVar aggregate classification (germline): Uncertain significance (1 of 4 stars; one submission).

Submission:

Labcorp Genetics (formerly Invitae), Labcorp
Classification: Uncertain significance. Last evaluated: 2020-07-23. Review status: criteria provided, single submitter. Criteria: Invitae Variant Classification Sherloc (09022015). Collection method: clinical testing. Allele origin: germline.
Comment: In summary, the available evidence is currently insufficient to determine the role of this variant in disease. Therefore, it has been classified as a Variant of Uncertain Significance. Algorithms developed to predict the effect of missense changes on protein structure and function are either unavailable or do not agree on the potential impact of this missense change (SIFT: "Tolerated"; PolyPhen-2: "Possibly Damaging"; Align-GVGD: "Class C0"). This variant has not been reported in the literature in individuals with SLC24A1-related conditions. This variant is not present in population databases (ExAC no frequency). This sequence change replaces lysine with glutamic acid at codon 621 of the SLC24A1 protein (p.Lys621Glu). The lysine residue is moderately conserved and there is a small physicochemical difference between lysine and glutamic acid.